The following is an entry in ClinVar:

NM_020686.6(ABAT):c.1080G>A (p.Met360Ile)

Gene: ABAT (4-aminobutyrate aminotransferase; plus strand). Cytogenetic location: 16p13.2.
Variant type: single nucleotide variant.
Coding change: c.1080G>A on transcript NM_020686.6 (MANE Select); coding-DNA position 1080, G replaced by A.
Protein change: p.Met360Ile; replaces methionine 360 with isoleucine.
Molecular consequence: missense variant.
Genome position (GRCh38, 1-based): chr16:8,775,015, G>A. VCF-style: chr16-8775015-G-A. GRCh37 (hg19) VCF-style: chr16-8868872-G-A.
Other names: c.1080G>A, p.Met360Ile (NM_000663.5, NM_001127448.2, NM_001386600.1 and 6 more transcripts); c.1041G>A, p.Met347Ile (NM_001386605.1); c.1017G>A, p.Met339Ile (NM_001386606.1, NM_001386607.1); c.987G>A, p.Met329Ile (NM_001386608.1); c.945G>A, p.Met315Ile (NM_001386610.1, NM_001386611.1); c.882G>A, p.Met294Ile (NM_001386612.1, NM_001386613.1); c.834G>A, p.Met278Ile (NM_001386614.1); c.1176G>A, p.Met392Ile (NM_001386615.1); short protein forms M278I, M294I, M315I, M347I, M329I, M339I, M360I, M392I.
Identifiers: ClinVar variation 1494273 (VCV001494273.7), dbSNP rs2142996879, ClinGen allele CA394690019.

ClinVar aggregate classification (germline): Uncertain significance (1 of 4 stars; one submission).

Conditions:
Gamma-aminobutyric acid transaminase deficiency (GABATD). Also called: GABA aminotransaminase deficiency; GABA transaminase deficiency; Gamma aminobutyrate transaminase deficiency; 4 alpha aminobutyrate transaminase deficiency. Identifiers: Orphanet 2066, MedGen C0342708, MONDO:0013166, OMIM 613163.

Allele frequency attached by ClinVar (database versions not stated): gnomAD exomes below 0.00001.
gnomAD v4.1: 4 of 1,614,216 alleles (0.00025%); highest among the groups gnomAD compares: Non-Finnish European, 0.00034%; no homozygotes.

Submission:

Labcorp Genetics (formerly Invitae), Labcorp
Classification: Uncertain significance for Gamma-aminobutyric acid transaminase deficiency. Last evaluated: 2022-02-10. Review status: criteria provided, single submitter. Criteria: Invitae Variant Classification Sherloc (09022015). Collection method: clinical testing. Allele origin: germline.
Comment: Algorithms developed to predict the effect of missense changes on protein structure and function (SIFT, PolyPhen-2, Align-GVGD) all suggest that this variant is likely to be tolerated. This sequence change replaces methionine, which is neutral and non-polar, with isoleucine, which is neutral and non-polar, at codon 360 of the ABAT protein (p.Met360Ile). This variant is not present in population databases (gnomAD no frequency). This variant has not been reported in the literature in individuals affected with ABAT-related conditions. In summary, the available evidence is currently insufficient to determine the role of this variant in disease. Therefore, it has been classified as a Variant of Uncertain Significance.